The following is an entry in ClinVar:

ClinVar aggregate classification (germline): Uncertain significance (1 of 4 stars; one submission).

Submission:

Laboratorio de Genetica e Diagnostico Molecular, Hospital Israelita Albert Einstein
Classification: Uncertain significance. Last evaluated: 2021-10-08. Review status: criteria provided, single submitter. Criteria: ACMG Guidelines, 2015. Collection method: clinical testing. Allele origin: germline. Affected: yes.
Comment: ACMG classification criteria: PVS1, PM2

NM_015215.4(CAMTA1):c.4989+1G>A

Gene: CAMTA1 (calmodulin binding transcription activator 1; plus strand). Cytogenetic location: 1p36.23.
Variant type: single nucleotide variant.
Coding change: c.4989+1G>A on transcript NM_015215.4 (MANE Select); the canonical splice donor site of the intron after coding-DNA position 4989, G replaced by A.
Molecular consequence: splice donor variant. On other transcripts: intron variant (10).
Genome position (GRCh38, 1-based): chr1:7,755,669, G>A. VCF-style: chr1-7755669-G-A. GRCh37 (hg19) VCF-style: chr1-7815729-G-A.
Other names: c.4640+3136G>A (NM_001349609.2); c.4665+1G>A (NM_001349610.2); c.4619+3136G>A (NM_001410737.1); c.4547+3136G>A (NM_001410738.1); c.4899+1G>A (NM_001349608.2); c.4581+1G>A (NM_001349612.2); c.2051+3136G>A (NM_001349614.1, NM_001349615.2); c.1743+1G>A (NM_001349620.1, NM_001349619.2); and 6 more.
Identifiers: ClinVar variation 1690459 (VCV001690459.2), dbSNP rs2150212605, ClinGen allele CA338146624.